The following is an entry in ClinVar:

ClinVar aggregate classification (germline): Uncertain significance (1 of 4 stars; one submission).

Allele frequency attached by ClinVar (database versions not stated): gnomAD 0.00001; TOPMed 0.00002.

Submission:

Labcorp Genetics (formerly Invitae), Labcorp
Classification: Uncertain significance. Last evaluated: 2021-08-28. Review status: criteria provided, single submitter. Criteria: Invitae Variant Classification Sherloc (09022015). Collection method: clinical testing. Allele origin: germline.
Comment: This sequence change replaces arginine with histidine at codon 59 of the LRRK1 protein (p.Arg59His). The arginine residue is weakly conserved and there is a small physicochemical difference between arginine and histidine. The frequency data for this variant in the population databases is considered unreliable, as metrics indicate poor data quality at this position in the ExAC database. This variant has not been reported in the literature in individuals affected with LRRK1-related conditions. Algorithms developed to predict the effect of missense changes on protein structure and function output the following: SIFT: "Tolerated"; PolyPhen-2: "Benign"; Align-GVGD: "Class C0". The histidine amino acid residue is found in multiple mammalian species, which suggests that this missense change does not adversely affect protein function. In summary, the available evidence is currently insufficient to determine the role of this variant in disease. Therefore, it has been classified as a Variant of Uncertain Significance.

NM_024652.6(LRRK1):c.176G>A (p.Arg59His)

Gene: LRRK1 (leucine rich repeat kinase 1; plus strand). Cytogenetic location: 15q26.3.
Variant type: single nucleotide variant.
Coding change: c.176G>A on transcript NM_024652.6 (MANE Select); coding-DNA position 176, G replaced by A.
Protein change: p.Arg59His; replaces arginine 59 with histidine.
Molecular consequence: missense variant.
Genome position (GRCh38, 1-based): chr15:100,973,882, G>A. VCF-style: chr15-100973882-G-A. GRCh37 (hg19) VCF-style: chr15-101514087-G-A.
Other names: short protein forms R59H.
Identifiers: ClinVar variation 1444323 (VCV001444323.5), dbSNP rs780551753, ClinGen allele CA7760508.
Genomic context (GRCh38, chr15:100,973,882, plus strand): 5'-GCAAGCCGTCCACGCGGGGCGGTGACCCTGCAGCGCGGTCCCGCAGGACGGAAGGCATCC[G>A]CGCCGCGTACAGGCGGGGAGACCGCGGCGGCGCCCGGGACCTGCTGGAGGAGGCCTGCGA-3'
Protein context (NP_078928.3, residues 49-69): AARSRRTEGI[Arg59His]AAYRRGDRGG